The following is an entry in ClinVar:

ClinVar aggregate classification (germline): Uncertain significance (1 of 4 stars; one submission).

Conditions:
Primary ciliary dyskinesia. Also called: Ciliary dyskinesia. Identifiers: Orphanet 244, MedGen C0008780, MONDO:0016575, HP:0012265.

gnomAD v4.1: 35 of 1,438,548 alleles (0.0024%); highest among the groups gnomAD compares: East Asian, 0.014%; no homozygotes.

Submission:

Department of Human Genetics, Hannover Medical School
Classification: Uncertain significance for Primary Ciliary Dyskinesia. Last evaluated: 2026-04-01. Review status: criteria provided, single submitter. Criteria: ACMG Guidelines, 2015. Collection method: research. Allele origin: germline. Affected: no.
Comment: Classification performed by HerediClassify using the following criteria:['PM2_supporting: Variant occures does not occur as homozygous in gnomAD.', 'PP3_splicing_supporting: Variant is predicted to have a splice effect by SpliceAI with evidence strength supporting.', "PP4_moderate: The modified PICADAR socre of 5.0 exceeds threshold of 5 achieving 'strong' evidence strength."]

NM_000620.5(NOS1):c.2532-2277G>A

Gene: NOS1 (nitric oxide synthase 1; minus strand). Cytogenetic location: 12q24.22.
Variant type: single nucleotide variant.
Coding change: c.2532-2277G>A on transcript NM_000620.5 (MANE Select); 2277 bases into the intron before coding-DNA position 2532, G replaced by A.
Molecular consequence: intron variant. On other transcripts: synonymous variant (1).
Genome position (GRCh38, 1-based): chr12:117,256,031, C>T on the plus strand (G>A on the coding strand, the complement: NOS1 is on the minus strand). VCF-style: chr12-117256031-C-T. GRCh37 (hg19) VCF-style: chr12-117693836-C-T.
Other names: c.2538G>A, p.Pro846= (NM_001204218.2); c.1524-2277G>A (NM_001204214.2, NM_001204213.2).
Identifiers: ClinVar variation 4880090 (VCV004880090.1).